The following is an entry in ClinVar:

NM_001195.5(BFSP1):c.1749A>G (p.Pro583=)

Gene: BFSP1 (beaded filament structural protein 1; minus strand). Cytogenetic location: 20p12.1.
Variant type: single nucleotide variant.
Coding change: c.1749A>G on transcript NM_001195.5 (MANE Select); coding-DNA position 1749, A replaced by G.
Protein change: p.Pro583=; no amino-acid change (proline 583 retained).
Molecular consequence: synonymous variant.
Genome position (GRCh38, 1-based): chr20:17,494,323, T>C on the plus strand (A>G on the coding strand, the complement: BFSP1 is on the minus strand). VCF-style: chr20-17494323-T-C. GRCh37 (hg19) VCF-style: chr20-17474968-T-C.
Other names: c.1374A>G, p.Pro458= (NM_001161705.2); c.1332A>G, p.Pro444= (NM_001278606.2, NM_001278608.2); c.1416A>G, p.Pro472= (NM_001278607.2).
Identifiers: ClinVar variation 257615 (VCV000257615.15), dbSNP rs6080718, ClinGen allele CA9771992.

ClinVar aggregate classification (germline): Benign. Review status: criteria provided, multiple submitters, no conflicts (2 of 4 stars). 5 submissions from 5 submitters: Benign (5). Last evaluated 2026-01-28.

Conditions:
Cataract 33. Also called: CATARACT 33, CORTICAL. Identifiers: Orphanet 91492, MedGen C3808107, MONDO:0012665, OMIM 611391.

Allele frequency attached by ClinVar (database versions not stated): ESP Exome Variant Server 0.74012; TOPMed 0.74820; 1000 Genomes Project 0.75060; 1000 Genomes Project 30x 0.75484.
gnomAD v4.1: 1,161,294 of 1,614,018 alleles (72%); highest among the groups gnomAD compares: Admixed American, 79%; 418,907 homozygotes.

Submissions (5):

Labcorp Genetics (formerly Invitae), Labcorp
Classification: Benign for Cataract 33. Last evaluated: 2026-01-28. Review status: criteria provided, single submitter. Criteria: Invitae Variant Classification Sherloc (09022015). Collection method: clinical testing. Allele origin: germline.

Genome-Nilou Lab
Classification: Benign for Cataract 33. Last evaluated: 2021-07-14. Review status: criteria provided, single submitter. Criteria: ACMG Guidelines, 2015. Collection method: clinical testing. Allele origin: germline. Affected: no.

GeneDx
Classification: Benign. Last evaluated: 2018-03-24. Review status: criteria provided, single submitter. Criteria: GeneDx Variant Classification (06012015). Collection method: clinical testing. Allele origin: germline. Affected: yes.
Comment: This variant is considered likely benign or benign based on one or more of the following criteria: it is a conservative change, it occurs at a poorly conserved position in the protein, it is predicted to be benign by multiple in silico algorithms, and/or has population frequency not consistent with disease.

Breakthrough Genomics
Classification: Benign. Review status: criteria provided, single submitter. Criteria: ACMG Guidelines, 2015. Collection method: not provided. Allele origin: germline. Inheritance: Autosomal recessive inheritance. Affected: yes.

PreventionGenetics, part of Exact Sciences
Classification: Benign. Review status: criteria provided, single submitter. Criteria: ACMG Guidelines, 2015. Collection method: clinical testing. Allele origin: germline.